The following is an entry in ClinVar:

NM_002485.5(NBN):c.499T>A (p.Cys167Ser)

Gene: NBN (nibrin; minus strand). Cytogenetic location: 8q21.3.
Variant type: single nucleotide variant.
Coding change: c.499T>A on transcript NM_002485.5 (MANE Select); coding-DNA position 499, T replaced by A.
Protein change: p.Cys167Ser; replaces cysteine 167 with serine.
Molecular consequence: missense variant.
Genome position (GRCh38, 1-based): chr8:89,978,305, A>T on the plus strand (T>A on the coding strand, the complement: NBN is on the minus strand). VCF-style: chr8-89978305-A-T. GRCh37 (hg19) VCF-style: chr8-90990533-A-T.
Other names: c.253T>A, p.Cys85Ser (NM_001024688.3); short protein forms C167S, C85S.
Identifiers: ClinVar variation 825352 (VCV000825352.10), dbSNP rs1586101551, ClinGen allele CA371660663.

ClinVar aggregate classification (germline): Uncertain significance. Review status: criteria provided, multiple submitters, no conflicts (2 of 4 stars). 2 submissions from 2 submitters: Uncertain significance (2). Last evaluated 2023-10-12.

Conditions:
Hereditary cancer-predisposing syndrome. Also called: Neoplastic Syndromes, Hereditary; Hereditary Cancer Syndrome; Hereditary neoplastic syndrome; Tumor predisposition. Identifiers: Orphanet 140162, MedGen C0027672, MeSH D009386, MONDO:0015356.
Microcephaly, normal intelligence and immunodeficiency (NBS). Also called: Nijmegen breakage syndrome; Microcephaly with normal intelligence immunodeficiency and lymphoreticular malignancies; Nonsyndromal microcephaly autosomal recessive with normal intelligence; Seemanova syndrome 2; Ataxia telangiectasia variant V1; BERLIN BREAKAGE SYNDROME. Identifiers: Orphanet 647, MedGen C0398791, MONDO:0009623, OMIM 251260.

Allele frequency attached by ClinVar (database versions not stated): gnomAD exomes below 0.00001.
gnomAD v4.1: 1 of 1,588,540 alleles (0.000063%); no homozygotes.

Submissions (2):

Ambry Genetics
Classification: Uncertain significance for Hereditary cancer-predisposing syndrome. Last evaluated: 2023-10-12. Review status: criteria provided, single submitter. Criteria: Ambry Variant Classification Scheme 2023. Collection method: clinical testing. Allele origin: germline.
Comment: The p.C167S variant (also known as c.499T>A), located in coding exon 5 of the NBN gene, results from a T to A substitution at nucleotide position 499. The cysteine at codon 167 is replaced by serine, an amino acid with dissimilar properties. This amino acid position is highly conserved in available vertebrate species. In addition, the in silico prediction for this alteration is inconclusive. Since supporting evidence is limited at this time, the clinical significance of this alteration remains unclear.

Labcorp Genetics (formerly Invitae), Labcorp
Classification: Uncertain significance for Microcephaly, normal intelligence and immunodeficiency. Last evaluated: 2021-08-12. Review status: criteria provided, single submitter. Criteria: Invitae Variant Classification Sherloc (09022015). Collection method: clinical testing. Allele origin: germline.
Comment: In summary, the available evidence is currently insufficient to determine the role of this variant in disease. Therefore, it has been classified as a Variant of Uncertain Significance. Algorithms developed to predict the effect of sequence changes on RNA splicing suggest that this variant may create or strengthen a splice site. Algorithms developed to predict the effect of missense changes on protein structure and function (SIFT, PolyPhen-2, Align-GVGD) all suggest that this variant is likely to be tolerated. ClinVar contains an entry for this variant (Variation ID: 825352). This variant has not been reported in the literature in individuals affected with NBN-related conditions. This variant is not present in population databases (ExAC no frequency). This sequence change replaces cysteine with serine at codon 167 of the NBN protein (p.Cys167Ser). The cysteine residue is highly conserved and there is a moderate physicochemical difference between cysteine and serine.